The following is an entry in ClinVar:

NM_020937.4(FANCM):c.2890G>A (p.Glu964Lys)

Gene: FANCM (FA complementation group M; plus strand). Cytogenetic location: 14q21.2.
Variant type: single nucleotide variant.
Coding change: c.2890G>A on transcript NM_020937.4 (MANE Select); coding-DNA position 2890, G replaced by A.
Protein change: p.Glu964Lys; replaces glutamic acid 964 with lysine.
Molecular consequence: missense variant.
Genome position (GRCh38, 1-based): chr14:45,175,644, G>A. VCF-style: chr14-45175644-G-A. GRCh37 (hg19) VCF-style: chr14-45644847-G-A.
Other names: c.2812G>A, p.Glu938Lys (NM_001308133.2); c.2890G>A (NM_020937.3); short protein forms E938K, E964K.
Identifiers: ClinVar variation 840803 (VCV000840803.18), dbSNP rs200017450, ClinGen allele CA7169424.

ClinVar aggregate classification (germline): Uncertain significance. Review status: criteria provided, multiple submitters, no conflicts (2 of 4 stars). 7 submissions from 7 submitters: Uncertain significance (7). Last evaluated 2025-12-07.

Conditions:
FANCM-related disorder. Also called: FANCM-related condition.
Spermatogenic failure 28. Identifiers: MedGen C4748117, MONDO:0054732, OMIM 618086.
Premature ovarian failure 15. Identifiers: MedGen C4748170, MONDO:0054862, OMIM 618096.
Fanconi anemia (FA). Also called: Fanconi's anemia. Identifiers: Orphanet 84, MedGen C0015625, MeSH D005199, MONDO:0019391.

Allele frequency attached by ClinVar (database versions not stated): gnomAD 0.00002 and 0.00003; ExAC 0.00003; gnomAD exomes 0.00003; TOPMed 0.00006.
gnomAD v4.1: 54 of 1,612,912 alleles (0.0033%); highest among the groups gnomAD compares: Middle Eastern, 0.016%; no homozygotes.

Submissions (7):

Labcorp Genetics (formerly Invitae), Labcorp
Classification: Uncertain significance for Fanconi anemia. Last evaluated: 2025-12-07. Review status: criteria provided, single submitter. Criteria: Invitae Variant Classification Sherloc (09022015). Collection method: clinical testing. Allele origin: germline.
Comment: This sequence change replaces glutamic acid, which is acidic and polar, with lysine, which is basic and polar, at codon 964 of the FANCM protein (p.Glu964Lys). This variant is present in population databases (rs200017450, gnomAD 0.01%). This missense change has been observed in individual(s) with clinical features of FANCM-related conditions (PMID: 26580448). ClinVar contains an entry for this variant (Variation ID: 840803). An algorithm developed to predict the effect of missense changes on protein structure and function (PolyPhen-2) suggests that this variant is likely to be disruptive. In summary, the available evidence is currently insufficient to determine the role of this variant in disease. Therefore, it has been classified as a Variant of Uncertain Significance.

GeneDx
Classification: Uncertain significance. Last evaluated: 2024-07-29. Review status: criteria provided, single submitter. Criteria: GeneDx Variant Classification Process June 2021. Collection method: clinical testing. Allele origin: germline. Affected: yes.
Comment: Not observed at significant frequency in large population cohorts (gnomAD); In silico analysis indicates that this missense variant does not alter protein structure/function; Observed in a pediatric patient with osteosarcoma (PMID: 26580448); This variant is associated with the following publications: (PMID: 26580448)

St. Jude Molecular Pathology, St. Jude Children's Research Hospital
Classification: Uncertain significance for Fanconi anemia. Last evaluated: 2024-05-07. Review status: criteria provided, single submitter. Criteria: St. Jude Assertion Criteria 2020. Collection method: clinical testing. Allele origin: germline.
Comment: The FANCM c.2890G>A (p.Glu964Lys) missense change has a maximum subpopulation frequency of 0.013% in gnomAD v2.1.1. The in silico tool REVEL predicts a benign effect on protein function, but to our knowledge this prediction has not been confirmed by functional studies. In summary, the evidence currently available is insufficient to determine the clinical significance of this variant. It has therefore been classified as of uncertain significance.

Quest Diagnostics Nichols Institute San Juan Capistrano
Classification: Uncertain significance. Last evaluated: 2023-08-31. Review status: criteria provided, single submitter. Criteria: Quest Diagnostics criteria. Collection method: clinical testing. Allele origin: unknown.
Comment: In the published literature, this variant has been reported in an individual with osteosarcoma from a pediatric cohort screened by whole genome sequencing and/or whole exome sequencing (PMID: 26580448 (2015)). The frequency of this variant in the general population, 0.000027 (3/112876 chromosomes (Genome Aggregation Database)), is uninformative in the assessment of its pathogenicity. Analysis of this variant using bioinformatics tools for the prediction of the effect of amino acid changes on protein structure and function yielded conflicting predictions that this variant is benign or damaging. Based on the available information, we are unable to determine the clinical significance of this variant.

PreventionGenetics, part of Exact Sciences
Classification: Uncertain significance for FANCM-related condition. Last evaluated: 2023-01-27. Review status: criteria provided, single submitter. Criteria: ACMG Guidelines, 2015. Collection method: clinical testing. Allele origin: germline.
Comment: The FANCM c.2890G>A variant is predicted to result in the amino acid substitution p.Glu964Lys. To our knowledge, this variant has not been reported in the literature. This variant is reported in 0.013% of alleles in individuals of African descent in gnomAD. At this time, the clinical significance of this variant is uncertain due to the absence of conclusive functional and genetic evidence.

Fulgent Genetics
Classification: Uncertain significance for Spermatogenic failure 28; Premature ovarian failure 15. Last evaluated: 2021-08-17. Review status: criteria provided, single submitter. Criteria: ACMG Guidelines, 2015. Collection method: clinical testing. Allele origin: unknown.

Breakthrough Genomics
Classification: Uncertain significance. Review status: criteria provided, single submitter. Criteria: ACMG Guidelines, 2015. Collection method: not provided. Allele origin: germline. Inheritance: Autosomal recessive inheritance. Affected: yes.

Literature cited by the submitters: PubMed 26580448 (cited by Labcorp Genetics (formerly Invitae), Labcorp and Quest Diagnostics Nichols Institute San Juan Capistrano).